The following is an entry in ClinVar:

NM_004972.4(JAK2):c.1290G>A (p.Lys430=)

Genes: INSL6 (insulin like 6; minus strand), JAK2 (Janus kinase 2; plus strand). Cytogenetic location: 9p24.1.
Variant type: single nucleotide variant.
Coding change: c.1290G>A on transcript NM_004972.4 (MANE Select); coding-DNA position 1290, G replaced by A.
Protein change: p.Lys430=; no amino-acid change (lysine 430 retained).
Molecular consequence: synonymous variant. On other transcripts: non-coding transcript variant (2).
Genome position (GRCh38, 1-based): chr9:5,066,753, G>A. VCF-style: chr9-5066753-G-A. GRCh37 (hg19) VCF-style: chr9-5066753-G-A.
Other names: c.1290G>A, p.Lys430= (NM_001322194.2, NM_001322195.2, NM_001322196.2); c.75G>A, p.Lys25= (NM_001322198.2, NM_001322199.2); c.843G>A, p.Lys281= (NM_001322204.2).
Identifiers: ClinVar variation 3055558 (VCV003055558.2), dbSNP rs2489020229, ClinGen allele CA463751530.

ClinVar aggregate classification (germline): Likely benign (0 of 4 stars; one submission).

Conditions:
JAK2-related disorder. Also called: JAK2-related condition.

Submission:

PreventionGenetics, part of Exact Sciences
Classification: Likely benign for JAK2-related condition. Last evaluated: 2023-03-23. Review status: no assertion criteria provided. Collection method: clinical testing. Allele origin: germline.
Comment: This variant is classified as likely benign based on ACMG/AMP sequence variant interpretation guidelines (Richards et al. 2015 PMID: 25741868, with internal and published modifications).